The following is an entry in ClinVar:

NM_001267550.2(TTN):c.103620T>C (p.Tyr34540=)

Genes: TTN (titin; minus strand), TTN-AS1 (TTN antisense RNA 1; plus strand). Cytogenetic location: 2q31.2.
Variant type: single nucleotide variant.
Coding change: c.103620T>C on transcript NM_001267550.2 (MANE Select); coding-DNA position 103620, T replaced by C.
Protein change: p.Tyr34540=; no amino-acid change (tyrosine 34540 retained).
Molecular consequence: synonymous variant.
Genome position (GRCh38, 1-based): chr2:178,532,995, A>G on the plus strand (T>C on the coding strand, the complement: TTN is on the minus strand). VCF-style: chr2-178532995-A-G. GRCh37 (hg19) VCF-style: chr2-179397722-A-G.
Other names: c.98697T>C, p.Tyr32899= (NM_001256850.1); c.76425T>C, p.Tyr25475= (NM_003319.4); c.95916T>C, p.Tyr31972= (NM_133378.4); c.76800T>C, p.Tyr25600= (NM_133432.3); c.77001T>C, p.Tyr25667= (NM_133437.4).
Identifiers: ClinVar variation 2925791 (VCV002925791.4), dbSNP rs1220348139, ClinGen allele CA430236333.

ClinVar aggregate classification (germline): Likely benign. Review status: criteria provided, multiple submitters, no conflicts (2 of 4 stars). 2 submissions from 2 submitters: Likely benign (2). Last evaluated 2026-07-01.

Conditions:
Dilated cardiomyopathy 1G (CMD1G). Identifiers: Orphanet 154, MedGen C1858763, MONDO:0011400, OMIM 604145.
Autosomal recessive limb-girdle muscular dystrophy type 2J (LGMDR10). Also called: MUSCULAR DYSTROPHY, LIMB-GIRDLE, AUTOSOMAL RECESSIVE 10; Limb-girdle muscular dystrophy, type 2J. Identifiers: Orphanet 140922, MedGen C1837342, MONDO:0012127, OMIM 608807.

Allele frequency attached by ClinVar (database versions not stated): TOPMed below 0.00001.
gnomAD v4.1: 2 of 1,613,854 alleles (0.00012%); highest among the groups gnomAD compares: Admixed American, 0.0033%; no homozygotes.

Submissions (2):

CeGaT Center for Human Genetics Tuebingen
Classification: Likely benign. Last evaluated: 2026-07-01. Review status: criteria provided, single submitter. Criteria: CeGaT Center For Human Genetics Tuebingen Variant Classification Criteria Version 2. Collection method: clinical testing. Allele origin: germline. Affected: yes. Observed: 1 variant allele.
Comment: TTN: BP4, BP7

Labcorp Genetics (formerly Invitae), Labcorp
Classification: Likely benign for Dilated cardiomyopathy 1G; Autosomal recessive limb-girdle muscular dystrophy type 2J. Last evaluated: 2025-11-09. Review status: criteria provided, single submitter. Criteria: Invitae Variant Classification Sherloc (09022015). Collection method: clinical testing. Allele origin: germline.